The following is an entry in ClinVar:

ClinVar aggregate classification (germline): Pathogenic (1 of 4 stars; one submission).

Conditions:
Hereditary cancer-predisposing syndrome. Also called: Tumor predisposition; Neoplastic Syndromes, Hereditary; Hereditary Cancer Syndrome; Hereditary neoplastic syndrome. Identifiers: Orphanet 140162, MedGen C0027672, MeSH D009386, MONDO:0015356.

Submission:

Ambry Genetics
Classification: Pathogenic for Hereditary cancer-predisposing syndrome. Last evaluated: 2024-11-09. Review status: criteria provided, single submitter. Criteria: Ambry Variant Classification Scheme 2023. Collection method: clinical testing. Allele origin: germline.
Comment: The c.959_963delAAGTA pathogenic mutation, located in coding exon 7 of the DICER1 gene, results from a deletion of 5 nucleotides at nucleotide positions 959 to 963, causing a translational frameshift with a predicted alternate stop codon (p.K320Sfs*15). This variant is considered to be rare based on population cohorts in the Genome Aggregation Database (gnomAD). This alteration is expected to result in loss of function by premature protein truncation or nonsense-mediated mRNA decay. As such, this alteration is interpreted as a disease-causing mutation.

NM_177438.3(DICER1):c.959_963del (p.Lys320fs)

Gene: DICER1 (dicer 1, ribonuclease III; minus strand). Cytogenetic location: 14q32.13.
Variant type: Deletion.
Coding change: c.959_963del on transcript NM_177438.3 (MANE Select); coding-DNA positions 959 to 963, 5 bases deleted (AAGTA; older notation c.959_963delAAGTA).
Protein change: p.Lys320fs; shifts the reading frame from lysine 320.
Molecular consequence: frameshift variant. On other transcripts: 5 prime UTR variant (1), non-coding transcript variant (6).
Genome position (GRCh38, 1-based): chr14:95,124,609-95,124,613, TACTT deleted on the plus strand (AAGTA on the coding strand, the reverse complement: DICER1 is on the minus strand); deleting any 5 consecutive bases within chr14:95,124,609-95,124,615 gives the same sequence; the c. name uses the placement nearest the transcript's 3' end. VCF-style (leftmost placement, unchanged base first): chr14-95124608-CTACTT-C. GRCh37 (hg19) VCF-style: chr14-95590945-CTACTT-C.
Other names: c.959_963del, p.Lys320fs (NM_001195573.1, NM_001271282.3, NM_001291628.2 and 14 more transcripts); c.677_681del, p.Lys226fs (NM_001395686.1); c.554_558del, p.Lys185fs (NM_001395687.1, NM_001395688.1, NM_001395689.1 and 3 more transcripts); c.392_396del, p.Lys131fs (NM_001395691.1); c.-610_-606del (NM_001395697.1); c.959_963delAAGTA (NM_177438.2); short protein forms K185fs, K226fs, K131fs, K320fs.
Identifiers: ClinVar variation 3501935 (VCV003501935.1).